The following is an entry in ClinVar:

NM_021814.5(ELOVL5):c.59-169C>T

Gene: ELOVL5 (ELOVL fatty acid elongase 5; minus strand). Cytogenetic location: 6p12.1.
Variant type: single nucleotide variant.
Coding change: c.59-169C>T on transcript NM_021814.5 (MANE Select); 169 bases into the intron before coding-DNA position 59, C replaced by T.
Molecular consequence: intron variant.
Genome position (GRCh38, 1-based): chr6:53,292,132, G>A on the plus strand (C>T on the coding strand, the complement: ELOVL5 is on the minus strand). VCF-style: chr6-53292132-G-A. GRCh37 (hg19) VCF-style: chr6-53156930-G-A.
Other names: c.59-169C>T (NM_001242830.2, NM_001242828.2, NM_001301856.2).
Identifiers: ClinVar variation 1683802 (VCV001683802.2), dbSNP rs6905103, ClinGen allele CA139059447.

ClinVar aggregate classification (germline): Likely benign (1 of 4 stars; one submission).

Allele frequency attached by ClinVar (database versions not stated): 1000 Genomes Project 0.01078; gnomAD 0.01083 and 0.01162; 1000 Genomes Project 30x 0.01124; TOPMed 0.01190.
gnomAD v4.1: 1,630 of 152,122 alleles (1.1%); highest among the groups gnomAD compares: African/African-American, 3.7%; 31 homozygotes.

Submission:

GeneDx
Classification: Likely benign. Last evaluated: 2021-05-12. Review status: criteria provided, single submitter. Criteria: GeneDx Variant Classification Process June 2021. Collection method: clinical testing. Allele origin: germline. Affected: yes.
Comment: See Variant Classification Assertion Criteria.